The following is an entry in ClinVar:

NM_000038.6(APC):c.6902G>A (p.Arg2301Lys)

Gene: APC (APC regulator of Wnt signaling pathway; plus strand). Cytogenetic location: 5q22.2.
Variant type: single nucleotide variant.
Coding change: c.6902G>A on transcript NM_000038.6 (MANE Select); coding-DNA position 6902, G replaced by A.
Protein change: p.Arg2301Lys; replaces arginine 2301 with lysine.
Molecular consequence: missense variant.
Genome position (GRCh38, 1-based): chr5:112,842,496, G>A. VCF-style: chr5-112842496-G-A. GRCh37 (hg19) VCF-style: chr5-112178193-G-A.
Other names: c.6902G>A, p.Arg2301Lys (NM_001127510.3, NM_001354895.2, NM_001407450.1); c.6848G>A, p.Arg2283Lys (NM_001127511.3); c.6956G>A, p.Arg2319Lys (NM_001354896.2, NM_001407447.1, NM_001407448.1 and 1 more transcripts); c.6932G>A, p.Arg2311Lys (NM_001354897.2); c.6827G>A, p.Arg2276Lys (NM_001354898.2); c.6818G>A, p.Arg2273Lys (NM_001354899.2); c.6779G>A, p.Arg2260Lys (NM_001354900.2); c.6725G>A, p.Arg2242Lys (NM_001354901.2, NM_001407453.1); and 11 more; short protein forms R1917K, R2018K, R2141K, R2172K, R2175K, R2200K, R2210K, R2218K.
Identifiers: ClinVar variation 1720853 (VCV001720853.7), dbSNP rs2149975877, ClinGen allele CA16036389.

ClinVar aggregate classification (germline): Uncertain significance. Review status: criteria provided, multiple submitters, no conflicts (2 of 4 stars). 2 submissions from 2 submitters: Uncertain significance (2). Last evaluated 2023-05-16.

Conditions:
Familial adenomatous polyposis 1 (FAP1). Also called: FAMILIAL ADENOMATOUS POLYPOSIS 1, ATTENUATED; POLYPOSIS, ADENOMATOUS INTESTINAL. Identifiers: MedGen C2713442, MONDO:0021056, OMIM 175100. Disease mechanism: loss of function.

Submissions (2):

Baylor Genetics
Classification: Uncertain significance for Familial adenomatous polyposis 1. Last evaluated: 2023-05-16. Review status: criteria provided, single submitter. Criteria: ACMG Guidelines, 2015. Collection method: clinical testing. Allele origin: unknown.

Labcorp Genetics (formerly Invitae), Labcorp
Classification: Uncertain significance for Familial adenomatous polyposis 1. Last evaluated: 2023-01-07. Review status: criteria provided, single submitter. Criteria: Invitae Variant Classification Sherloc (09022015). Collection method: clinical testing. Allele origin: germline.
Comment: This variant has not been reported in the literature in individuals affected with APC-related conditions. ClinVar contains an entry for this variant (Variation ID: 1720853). Advanced modeling of protein sequence and biophysical properties (such as structural, functional, and spatial information, amino acid conservation, physicochemical variation, residue mobility, and thermodynamic stability) performed at Invitae indicates that this missense variant is not expected to disrupt APC protein function. In summary, the available evidence is currently insufficient to determine the role of this variant in disease. Therefore, it has been classified as a Variant of Uncertain Significance. This variant is not present in population databases (gnomAD no frequency). This sequence change replaces arginine, which is basic and polar, with lysine, which is basic and polar, at codon 2301 of the APC protein (p.Arg2301Lys).